The following is an entry in ClinVar:

NM_001369.3(DNAH5):c.851G>A (p.Arg284Gln)

Gene: DNAH5 (dynein axonemal heavy chain 5; minus strand). Cytogenetic location: 5p15.2.
Variant type: single nucleotide variant.
Coding change: c.851G>A on transcript NM_001369.3 (MANE Select); coding-DNA position 851, G replaced by A.
Protein change: p.Arg284Gln; replaces arginine 284 with glutamine.
Molecular consequence: missense variant.
Genome position (GRCh38, 1-based): chr5:13,919,300, C>T on the plus strand (G>A on the coding strand, the complement: DNAH5 is on the minus strand). VCF-style: chr5-13919300-C-T. GRCh37 (hg19) VCF-style: chr5-13919409-C-T.
Other names: short protein forms R284Q.
Identifiers: ClinVar variation 4066602 (VCV004066602.2).

ClinVar aggregate classification (germline): Uncertain significance. Review status: criteria provided, single submitter (1 of 4 stars). 2 submissions from 2 submitters: Uncertain significance (1). 1 of the submissions does not count toward it. Last evaluated 2026-03-25.

Conditions:
Primary ciliary dyskinesia. Also called: Ciliary dyskinesia. Identifiers: Orphanet 244, MedGen C0008780, MONDO:0016575, HP:0012265.

gnomAD v4.1: 17 of 1,614,012 alleles (0.0011%); highest among the groups gnomAD compares: Non-Finnish European, 0.0014%; no homozygotes.

Submissions (2):

Women's Health and Genetics/Laboratory Corporation of America, LabCorp
Classification: Uncertain significance. Last evaluated: 2026-03-25. Review status: criteria provided, single submitter. Criteria: LabCorp Variant Classification Summary - May 2015. Collection method: clinical testing. Allele origin: germline.
Comment: Variant summary: DNAH5 c.851G>A (p.Arg284Gln) results in a conservative amino acid change in the encoded protein sequence. Algorithms developed to predict the effect of missense changes on protein structure and function are either unavailable or do not agree on the potential impact of this missense change. The variant allele was found at a frequency of 4e-06 in 251146 control chromosomes. The available data on variant occurrences in the general population are insufficient to allow any conclusion about variant significance. To our knowledge, no occurrence of c.851G>A in individuals affected with DNAH5-related conditions and no experimental evidence demonstrating its impact on protein function have been reported. ClinVar contains an entry for this variant (Variation ID: 4066602). Based on the evidence outlined above, the variant was classified as uncertain significance.

Natera, Inc.
Classification: Uncertain significance for Primary ciliary dyskinesia. Last evaluated: 2025-05-12. Review status: no assertion criteria provided. Collection method: clinical testing. Allele origin: germline. Not counted in ClinVar's aggregate classification.